The following is an entry in ClinVar:

ClinVar aggregate classification (germline): Uncertain significance (1 of 4 stars; one submission).

Conditions:
Hereditary cancer-predisposing syndrome. Also called: Neoplastic Syndromes, Hereditary; Tumor predisposition; Hereditary neoplastic syndrome; Hereditary Cancer Syndrome. Identifiers: Orphanet 140162, MedGen C0027672, MeSH D009386, MONDO:0015356.

Submission:

Ambry Genetics
Classification: Uncertain significance for Hereditary cancer-predisposing syndrome. Last evaluated: 2022-11-30. Review status: criteria provided, single submitter. Criteria: Ambry Variant Classification Scheme 2023. Collection method: clinical testing. Allele origin: germline.
Comment: The p.K2882E variant (also known as c.8644A>G), located in coding exon 20 of the BRCA2 gene, results from an A to G substitution at nucleotide position 8644. The lysine at codon 2882 is replaced by glutamic acid, an amino acid with similar properties. This amino acid position is conserved. In addition, this alteration is predicted to be tolerated by in silico analysis. Since supporting evidence is limited at this time, the clinical significance of this alteration remains unclear.

NM_000059.4(BRCA2):c.8644A>G (p.Lys2882Glu)

Gene: BRCA2 (BRCA2 DNA repair associated; plus strand). Cytogenetic location: 13q13.1.
Variant type: single nucleotide variant.
Coding change: c.8644A>G on transcript NM_000059.4 (MANE Select); coding-DNA position 8644, A replaced by G.
Protein change: p.Lys2882Glu; replaces lysine 2882 with glutamic acid.
Molecular consequence: missense variant. On other transcripts: non-coding transcript variant (1).
Genome position (GRCh38, 1-based): chr13:32,376,681, A>G. VCF-style: chr13-32376681-A-G. GRCh37 (hg19) VCF-style: chr13-32950818-A-G.
Other names: c.8548A>G, p.Lys2850Glu (NM_001406719.1); c.8644A>G, p.Lys2882Glu (NM_001406720.1); c.3712A>G, p.Lys1238Glu (NM_001406721.1); c.2227A>G, p.Lys743Glu (NM_001406722.1); short protein forms K1238E, K2882E, K743E, K2850E.
Identifiers: ClinVar variation 2451503 (VCV002451503.2), dbSNP rs397508000, ClinGen allele CA387754647.